The following is an entry in ClinVar:

ClinVar aggregate classification (germline): Uncertain significance. Review status: criteria provided, multiple submitters, no conflicts (2 of 4 stars). 2 submissions from 2 submitters: Uncertain significance (2). Last evaluated 2025-08-28.

Conditions:
Inborn genetic diseases. Identifiers: MedGen C0950123, MeSH D030342.
Aicardi-Goutieres syndrome 5. Identifiers: Orphanet 51, MedGen C2749659, MONDO:0013059, OMIM 612952.

Allele frequency attached by ClinVar (database versions not stated): TOPMed 0.00002; gnomAD exomes below 0.00001 and 0.00001; gnomAD 0.00001; ExAC 0.00002.
gnomAD v4.1: 3 of 1,612,758 alleles (0.00019%); highest among the groups gnomAD compares: African/African-American, 0.004%; no homozygotes.

Submissions (2):

Ambry Genetics
Classification: Uncertain significance for Inborn genetic diseases. Last evaluated: 2025-08-28. Review status: criteria provided, single submitter. Criteria: Ambry Variant Classification Scheme 2023. Collection method: clinical testing. Allele origin: germline.

Labcorp Genetics (formerly Invitae), Labcorp
Classification: Uncertain significance for Aicardi-Goutieres syndrome 5. Last evaluated: 2021-08-16. Review status: criteria provided, single submitter. Criteria: Invitae Variant Classification Sherloc (09022015). Collection method: clinical testing. Allele origin: germline.
Comment: This sequence change replaces methionine with lysine at codon 416 of the SAMHD1 protein (p.Met416Lys). The methionine residue is moderately conserved and there is a moderate physicochemical difference between methionine and lysine. This variant is present in population databases (rs745950444, ExAC 0.02%). This variant has not been reported in the literature in individuals affected with SAMHD1-related conditions. Algorithms developed to predict the effect of missense changes on protein structure and function are either unavailable or do not agree on the potential impact of this missense change (SIFT: "Deleterious"; PolyPhen-2: "Benign"; Align-GVGD: "Class C0"). In summary, the available evidence is currently insufficient to determine the role of this variant in disease. Therefore, it has been classified as a Variant of Uncertain Significance.

NM_015474.4(SAMHD1):c.1247T>A (p.Met416Lys)

Gene: SAMHD1 (SAM and HD domain containing deoxynucleoside triphosphate triphosphohydrolase 1; minus strand). Cytogenetic location: 20q11.23.
Variant type: single nucleotide variant.
Coding change: c.1247T>A on transcript NM_015474.4 (MANE Select); coding-DNA position 1247, T replaced by A.
Protein change: p.Met416Lys; replaces methionine 416 with lysine.
Molecular consequence: missense variant.
Genome position (GRCh38, 1-based): chr20:36,911,241, A>T on the plus strand (T>A on the coding strand, the complement: SAMHD1 is on the minus strand). VCF-style: chr20-36911241-A-T. GRCh37 (hg19) VCF-style: chr20-35539644-A-T.
Other names: c.1247T>A, p.Met416Lys (NM_001363729.2, NM_001363733.2); c.1247T>A (NM_015474.3); short protein forms M416K.
Identifiers: ClinVar variation 1504392 (VCV001504392.5), dbSNP rs745950444, ClinGen allele CA9844551.
Genomic context (GRCh38, chr20:36,911,241, plus strand): 5'-CTGAGATGGACCATCTATGTTACCTGTTACTTCTTACCTGTCAGCTTAGTATAGGCTTCC[A>T]TGTCGTCAATTGCTGTAGAAATGCGATACTTTTTTCCTCCAGCACCTGTAATCTCTATGT-3'
Protein context (NP_056289.2, residues 406-426): KYRISTAIDD[Met416Lys]EAYTKLTDNI